The following is an entry in ClinVar:

ClinVar aggregate classification (germline): Uncertain significance. Review status: criteria provided, multiple submitters, no conflicts (2 of 4 stars). 2 submissions from 2 submitters: Uncertain significance (2). Last evaluated 2025-05-07.

Conditions:
Inborn genetic diseases. Identifiers: MedGen C0950123, MeSH D030342.
Brachyolmia-amelogenesis imperfecta syndrome. Also called: PLATYSPONDYLY WITH AMELOGENESIS IMPERFECTA; Tooth agenesis, selective, 6; Dental anomalies and short stature. Identifiers: Orphanet 2899, MedGen C1832594, MONDO:0011018, OMIM 601216. Disease mechanism: loss of function.

Submissions (2):

Labcorp Genetics (formerly Invitae), Labcorp
Classification: Uncertain significance for Brachyolmia-amelogenesis imperfecta syndrome. Last evaluated: 2025-05-07. Review status: criteria provided, single submitter. Criteria: Invitae Variant Classification Sherloc (09022015). Collection method: clinical testing. Allele origin: germline.
Comment: This sequence change replaces threonine, which is neutral and polar, with isoleucine, which is neutral and non-polar, at codon 448 of the LTBP3 protein (p.Thr448Ile). This variant is not present in population databases (gnomAD no frequency). This variant has not been reported in the literature in individuals affected with LTBP3-related conditions. ClinVar contains an entry for this variant (Variation ID: 1770406). An algorithm developed to predict the effect of missense changes on protein structure and function (PolyPhen-2) suggests that this variant is likely to be disruptive. In summary, the available evidence is currently insufficient to determine the role of this variant in disease. Therefore, it has been classified as a Variant of Uncertain Significance.

Ambry Genetics
Classification: Uncertain significance for Inborn genetic diseases. Last evaluated: 2022-10-17. Review status: criteria provided, single submitter. Criteria: Ambry Variant Classification Scheme 2023. Collection method: clinical testing. Allele origin: germline.
Comment: The p.T448I variant (also known as c.1343C>T), located in coding exon 7 of the LTBP3 gene, results from a C to T substitution at nucleotide position 1343. The threonine at codon 448 is replaced by isoleucine, an amino acid with similar properties. This amino acid position is conserved. In addition, the in silico prediction for this alteration is inconclusive. Since supporting evidence is limited at this time, the clinical significance of this alteration remains unclear.

NM_001130144.3(LTBP3):c.1343C>T (p.Thr448Ile)

Gene: LTBP3 (latent transforming growth factor beta binding protein 3; minus strand). Cytogenetic location: 11q13.1.
Variant type: single nucleotide variant.
Coding change: c.1343C>T on transcript NM_001130144.3 (MANE Select); coding-DNA position 1343, C replaced by T.
Protein change: p.Thr448Ile; replaces threonine 448 with isoleucine.
Molecular consequence: missense variant.
Genome position (GRCh38, 1-based): chr11:65,552,250, G>A on the plus strand (C>T on the coding strand, the complement: LTBP3 is on the minus strand). VCF-style: chr11-65552250-G-A. GRCh37 (hg19) VCF-style: chr11-65319721-G-A.
Other names: c.992C>T, p.Thr331Ile (NM_001164266.1); c.1343C>T, p.Thr448Ile (NM_021070.4); short protein forms T448I, T331I.
Identifiers: ClinVar variation 1770406 (VCV001770406.3), dbSNP rs1856638882, ClinGen allele CA381273685.